The following is an entry in ClinVar:

ClinVar aggregate classification (germline): Likely pathogenic. Review status: criteria provided, single submitter (1 of 4 stars). 2 submissions from 2 submitters: Likely pathogenic (1). 1 of the submissions does not count toward it. Last evaluated 2025-05-22.

Conditions:
Syndromic neurodevelopmental disorder.

Submissions (2):

Labcorp Genetics (formerly Invitae), Labcorp
Classification: Likely pathogenic. Last evaluated: 2025-05-22. Review status: criteria provided, single submitter. Criteria: Invitae Variant Classification Sherloc (09022015). Collection method: clinical testing. Allele origin: germline.
Comment: This sequence change affects codon 870 of the ZMIZ1 mRNA. It is a 'silent' change, meaning that it does not change the encoded amino acid sequence of the ZMIZ1 protein. This variant is not present in population databases (gnomAD no frequency). This variant has been observed in individual(s) with ZMIZ1-related conditions (PMID: 30639322). In at least one individual the variant was observed to be de novo. ClinVar contains an entry for this variant (Variation ID: 996611). Algorithms developed to predict the effect of sequence changes on RNA splicing suggest that this variant is not likely to affect RNA splicing. In summary, the currently available evidence indicates that the variant is pathogenic, but additional data are needed to prove that conclusively. Therefore, this variant has been classified as Likely Pathogenic.

University of Washington Center for Mendelian Genomics, University of Washington
Classification: Likely pathogenic for syndromic neurodevelopmental disorder. Review status: no assertion criteria provided. Collection method: research. Allele origin: de novo. Affected: yes. Not counted in ClinVar's aggregate classification.

Literature cited by the submitters: PubMed 30639322 (cited by Labcorp Genetics (formerly Invitae), Labcorp and University of Washington Center for Mendelian Genomics, University of Washington).

NM_020338.4(ZMIZ1):c.2610C>T (p.Ser870=)

Gene: ZMIZ1 (zinc finger MIZ-type containing 1; plus strand). Cytogenetic location: 10q22.3.
Variant type: single nucleotide variant.
Coding change: c.2610C>T on transcript NM_020338.4 (MANE Select); coding-DNA position 2610, C replaced by T.
Protein change: p.Ser870=; no amino-acid change (serine 870 retained).
Molecular consequence: synonymous variant.
Genome position (GRCh38, 1-based): chr10:79,306,286, C>T. VCF-style: chr10-79306286-C-T. GRCh37 (hg19) VCF-style: chr10-81066043-C-T.
Identifiers: ClinVar variation 996611 (VCV000996611.2), dbSNP rs1231805222, ClinGen allele CA470650583.
Genomic context (GRCh38, chr10:79,306,286, plus strand): 5'-CAGCCAGATGATCATGCCCAATGTCATGGAGATGATCGCAGCCCTGGGCCCCGGCCCGTC[C>T]CCCTATCCCCTCCCGCCTCCCCCAGGGGGCACCAACTCCAACGACTACAGCAGCCAAGGT-3'
Protein context (NP_065071.1, residues 860-880): EMIAALGPGP[Ser870=]PYPLPPPPGG